The following is an entry in ClinVar:

NM_016252.4(BIRC6):c.12T>C (p.Gly4=)

Gene: BIRC6 (baculoviral IAP repeat containing 6; plus strand). Cytogenetic location: 2p22.3.
Variant type: single nucleotide variant.
Coding change: c.12T>C on transcript NM_016252.4 (MANE Select); coding-DNA position 12, T replaced by C.
Protein change: p.Gly4=; no amino-acid change (glycine 4 retained).
Molecular consequence: synonymous variant.
Genome position (GRCh38, 1-based): chr2:32,357,173, T>C. VCF-style: chr2-32357173-T-C. GRCh37 (hg19) VCF-style: chr2-32582241-T-C.
Identifiers: ClinVar variation 3037379 (VCV003037379.2), dbSNP rs115758817, ClinGen allele CA1602512.

ClinVar aggregate classification (germline): Benign (0 of 4 stars; one submission).

Conditions:
BIRC6-related disorder. Also called: BIRC6-related condition.

Allele frequency attached by ClinVar (database versions not stated): ExAC 0.02396; ESP Exome Variant Server 0.02498; 1000 Genomes Project 0.03035; gnomAD 0.03192; 1000 Genomes Project 30x 0.03295; TOPMed 0.03532.
gnomAD v4.1: 22,730 of 1,525,628 alleles (1.5%); highest among the groups gnomAD compares: African/African-American, 8.8%; 399 homozygotes.

Submission:

PreventionGenetics, part of Exact Sciences
Classification: Benign for BIRC6-related condition. Last evaluated: 2019-02-19. Review status: no assertion criteria provided. Collection method: clinical testing. Allele origin: germline.
Comment: This variant is classified as benign based on ACMG/AMP sequence variant interpretation guidelines (Richards et al. 2015 PMID: 25741868, with internal and published modifications).